The following is an entry in ClinVar:

NM_000373.4(UMPS):c.320G>A (p.Arg107His)

Gene: UMPS (uridine monophosphate synthetase; plus strand). Cytogenetic location: 3q21.2.
Variant type: single nucleotide variant.
Coding change: c.320G>A on transcript NM_000373.4 (MANE Select); coding-DNA position 320, G replaced by A.
Protein change: p.Arg107His; replaces arginine 107 with histidine.
Molecular consequence: missense variant. On other transcripts: non-coding transcript variant (2).
Genome position (GRCh38, 1-based): chr3:124,737,577, G>A. VCF-style: chr3-124737577-G-A. GRCh37 (hg19) VCF-style: chr3-124456424-G-A.
Other names: short protein forms R107H.
Identifiers: ClinVar variation 2341156 (VCV002341156.5), dbSNP rs142349403, ClinGen allele CA2581645.

ClinVar aggregate classification (germline): Conflicting classifications of pathogenicity. Review status: criteria provided, conflicting classifications (1 of 4 stars). 2 submissions from 2 submitters: Uncertain significance (1); Likely benign (1). Last evaluated 2022-12-08.

Conditions:
Inborn genetic diseases. Identifiers: MedGen C0950123, MeSH D030342.
Hereditary orotic aciduria, type 1. Also called: Orotic aciduria type 1; Oroticaciduria 1. Identifiers: MedGen C0268130.

Allele frequency attached by ClinVar (database versions not stated): gnomAD exomes 0.00010; ExAC 0.00022; TOPMed 0.00056; gnomAD 0.00070; ESP Exome Variant Server 0.00077; 1000 Genomes Project 30x 0.00109; 1000 Genomes Project 0.00120.
gnomAD v4.1: 258 of 1,614,136 alleles (0.016%); highest among the groups gnomAD compares: African/African-American, 0.23%; no homozygotes.

Submissions (2):

Labcorp Genetics (formerly Invitae), Labcorp
Classification: Uncertain significance for Hereditary orotic aciduria, type 1. Last evaluated: 2022-12-08. Review status: criteria provided, single submitter. Criteria: Invitae Variant Classification Sherloc (09022015). Collection method: clinical testing. Allele origin: germline.
Comment: This sequence change replaces arginine, which is basic and polar, with histidine, which is basic and polar, at codon 107 of the UMPS protein (p.Arg107His). This variant is present in population databases (rs142349403, gnomAD 0.2%). This variant has not been reported in the literature in individuals affected with UMPS-related conditions. Advanced modeling of protein sequence and biophysical properties (such as structural, functional, and spatial information, amino acid conservation, physicochemical variation, residue mobility, and thermodynamic stability) has been performed at Invitae for this missense variant, however the output from this modeling did not meet the statistical confidence thresholds required to predict the impact of this variant on UMPS protein function. In summary, the available evidence is currently insufficient to determine the role of this variant in disease. Therefore, it has been classified as a Variant of Uncertain Significance.

Ambry Genetics
Classification: Likely benign for Inborn genetic diseases. Last evaluated: 2021-06-30. Review status: criteria provided, single submitter. Criteria: Ambry Variant Classification Scheme 2023. Collection method: clinical testing. Allele origin: germline.